The following is an entry in ClinVar:

ClinVar aggregate classification (germline): Uncertain significance (1 of 4 stars; one submission).

Allele frequency attached by ClinVar (database versions not stated): gnomAD exomes 0.00001; TOPMed 0.00002.
gnomAD v4.1: 4 of 1,611,546 alleles (0.00025%); highest among the groups gnomAD compares: Admixed American, 0.005%; no homozygotes.

Submission:

Labcorp Genetics (formerly Invitae), Labcorp
Classification: Uncertain significance. Last evaluated: 2022-07-27. Review status: criteria provided, single submitter. Criteria: Invitae Variant Classification Sherloc (09022015). Collection method: clinical testing. Allele origin: germline.
Comment: In summary, the available evidence is currently insufficient to determine the role of this variant in disease. Therefore, it has been classified as a Variant of Uncertain Significance. Algorithms developed to predict the effect of missense changes on protein structure and function (SIFT, PolyPhen-2, Align-GVGD) all suggest that this variant is likely to be tolerated. This variant has not been reported in the literature in individuals affected with AARS2-related conditions. This variant is present in population databases (no rsID available, gnomAD 0.003%). This sequence change replaces histidine, which is basic and polar, with tyrosine, which is neutral and polar, at codon 479 of the AARS2 protein (p.His479Tyr).

NM_020745.4(AARS2):c.1435C>T (p.His479Tyr)

Gene: AARS2 (alanyl-tRNA synthetase 2, mitochondrial; minus strand). Cytogenetic location: 6p21.1.
Variant type: single nucleotide variant.
Coding change: c.1435C>T on transcript NM_020745.4 (MANE Select); coding-DNA position 1435, C replaced by T.
Protein change: p.His479Tyr; replaces histidine 479 with tyrosine.
Molecular consequence: missense variant.
Genome position (GRCh38, 1-based): chr6:44,305,198, G>A on the plus strand (C>T on the coding strand, the complement: AARS2 is on the minus strand). VCF-style: chr6-44305198-G-A. GRCh37 (hg19) VCF-style: chr6-44272935-G-A.
Other names: short protein forms H479Y.
Identifiers: ClinVar variation 2171956 (VCV002171956.4), dbSNP rs999720158, ClinGen allele CA138389723.